The following is an entry in ClinVar:

NM_016653.3(MAP3K20):c.1481C>G (p.Pro494Arg)

Genes: MAP3K20 (mitogen-activated protein kinase kinase kinase 20; plus strand), MAP3K20-AS1 (MAP3K20 antisense RNA 1; minus strand). Cytogenetic location: 2q31.1.
Variant type: single nucleotide variant.
Coding change: c.1481C>G on transcript NM_016653.3 (MANE Select); coding-DNA position 1481, C replaced by G.
Protein change: p.Pro494Arg; replaces proline 494 with arginine.
Molecular consequence: missense variant.
Genome position (GRCh38, 1-based): chr2:173,261,067, C>G. VCF-style: chr2-173261067-C-G. GRCh37 (hg19) VCF-style: chr2-174125795-C-G.
Other names: p.Pro494Arg; short protein forms P494R.
Identifiers: ClinVar variation 1508759 (VCV001508759.7), dbSNP rs1384823806, ClinGen allele CA349316441.
Genomic context (GRCh38, chr2:173,261,067, plus strand): 5'-CTATAGTAGAGCAGACTGTGTTATGGTACTACACCATCCTAACTTTTGTTTTTCAGCCAC[C>G]ATTTGTAATGGAGAAGTGGATTGTAGGAATAGCAAAAAGTCAGACTGTGGAGTGCACTGT-3'
Protein context (NP_057737.2, residues 484-504): DAEILKMTKP[Pro494Arg]FVMEKWIVGI

ClinVar aggregate classification (germline): Uncertain significance. Review status: criteria provided, multiple submitters, no conflicts (2 of 4 stars). 2 submissions from 2 submitters: Uncertain significance (2). Last evaluated 2023-08-30.

Allele frequency attached by ClinVar (database versions not stated): gnomAD exomes below 0.00001.
gnomAD v4.1: 3 of 1,613,280 alleles (0.00019%); highest among the groups gnomAD compares: East Asian, 0.0022%; no homozygotes.

Submissions (2):

Labcorp Genetics (formerly Invitae), Labcorp
Classification: Uncertain significance. Last evaluated: 2023-08-30. Review status: criteria provided, single submitter. Criteria: Invitae Variant Classification Sherloc (09022015). Collection method: clinical testing. Allele origin: germline.
Comment: This sequence change replaces proline with arginine at codon 494 of the MAP3K20 protein (p.Pro494Arg). The proline residue is highly conserved and there is a moderate physicochemical difference between proline and arginine. This variant is present in population databases (no rsID available, gnomAD 0.006%). This variant has not been reported in the literature in individuals affected with MAP3K20-related conditions. ClinVar contains an entry for this variant (Variation ID: 1508759). Advanced modeling of protein sequence and biophysical properties (such as structural, functional, and spatial information, amino acid conservation, physicochemical variation, residue mobility, and thermodynamic stability) performed at Invitae indicates that this missense variant is not expected to disrupt MAP3K20 protein function. In summary, the available evidence is currently insufficient to determine the role of this variant in disease. Therefore, it has been classified as a Variant of Uncertain Significance.

Mayo Clinic Laboratories, Mayo Clinic
Classification: Uncertain significance. Last evaluated: 2023-06-05. Review status: criteria provided, single submitter. Criteria: ACMG Guidelines, 2015. Collection method: clinical testing. Allele origin: germline. Observed: 1 variant allele.